The following is an entry in ClinVar:

NM_001257180.2(SLC20A2):c.187G>A (p.Gly63Ser)

Gene: SLC20A2 (solute carrier family 20 member 2; minus strand). Cytogenetic location: 8p11.21.
Variant type: single nucleotide variant.
Coding change: c.187G>A on transcript NM_001257180.2 (MANE Select); coding-DNA position 187, G replaced by A.
Protein change: p.Gly63Ser; replaces glycine 63 with serine.
Molecular consequence: missense variant.
Genome position (GRCh38, 1-based): chr8:42,472,204, C>T on the plus strand (G>A on the coding strand, the complement: SLC20A2 is on the minus strand). VCF-style: chr8-42472204-C-T. GRCh37 (hg19) VCF-style: chr8-42329722-C-T.
Other names: c.187G>A, p.Gly63Ser (NM_001257181.2, NM_006749.5); short protein forms G63S.
Identifiers: ClinVar variation 634893 (VCV000634893.5), dbSNP rs1563497719, ClinGen allele CA371089895.

ClinVar aggregate classification (germline): Conflicting classifications of pathogenicity. Review status: criteria provided, conflicting classifications (1 of 4 stars). 2 submissions from 2 submitters: Likely pathogenic (1); Uncertain significance (1). Last evaluated 2024-05-06.

Conditions:
Idiopathic basal ganglia calcification 1 (PFBC1A). Also called: PRIMARY FAMILIAL BRAIN CALCIFICATION 1A, AUTOSOMAL DOMINANT; Fahr's syndrome; Familial Idiopathic Basal Ganglia Calcification 3; Primary Familial Brain Calcification; Familial Idiopathic Basal Ganglia Calcification 2; Cerebral calcification nonarteriosclerotic idiopathic adult-onset. Identifiers: Orphanet 1980, MedGen C4551624, MONDO:0024538, OMIM 213600.

Submissions (2):

Labcorp Genetics (formerly Invitae), Labcorp
Classification: Uncertain significance. Last evaluated: 2024-05-06. Review status: criteria provided, single submitter. Criteria: Invitae Variant Classification Sherloc (09022015). Collection method: clinical testing. Allele origin: germline.
Comment: This sequence change replaces glycine, which is neutral and non-polar, with serine, which is neutral and polar, at codon 63 of the SLC20A2 protein (p.Gly63Ser). This variant is not present in population databases (gnomAD no frequency). This missense change has been observed in individuals with clinical features of primary basal ganglia calcification (PMID: 28477710; Invitae). ClinVar contains an entry for this variant (Variation ID: 634893). Advanced modeling of protein sequence and biophysical properties (such as structural, functional, and spatial information, amino acid conservation, physicochemical variation, residue mobility, and thermodynamic stability) performed at Invitae indicates that this missense variant is expected to disrupt SLC20A2 protein function with a positive predictive value of 80%. This variant disrupts the p.Gly63 amino acid residue in SLC20A2. Other variant(s) that disrupt this residue have been observed in individuals with SLC20A2-related conditions (PMID: 28477710), which suggests that this may be a clinically significant amino acid residue. In summary, the available evidence is currently insufficient to determine the role of this variant in disease. Therefore, it has been classified as a Variant of Uncertain Significance.

Laboratory of Medical Genetics, University of Torino
Classification: Likely pathogenic for Idiopathic basal ganglia calcification 1. Last evaluated: 2018-11-30. Review status: criteria provided, single submitter. Criteria: Rubino E et al. (J Neurol Sci 2017). Collection method: clinical testing. Allele origin: germline. Affected: yes. Observed: 2 variant alleles.

Literature cited by the submitters: PubMed 28477710 (cited by Labcorp Genetics (formerly Invitae), Labcorp).